The following is an entry in ClinVar:

ClinVar aggregate classification (germline): Uncertain significance (1 of 4 stars; one submission).

Allele frequency attached by ClinVar (database versions not stated): TOPMed below 0.00001.

Submission:

Labcorp Genetics (formerly Invitae), Labcorp
Classification: Uncertain significance. Last evaluated: 2022-03-22. Review status: criteria provided, single submitter. Criteria: Invitae Variant Classification Sherloc (09022015). Collection method: clinical testing. Allele origin: germline.
Comment: In summary, the available evidence is currently insufficient to determine the role of this variant in disease. Therefore, it has been classified as a Variant of Uncertain Significance. This sequence change replaces histidine, which is basic and polar, with glutamine, which is neutral and polar, at codon 120 of the TTC19 protein (p.His120Gln). This variant is not present in population databases (gnomAD no frequency). Algorithms developed to predict the effect of sequence changes on RNA splicing suggest that this variant may create or strengthen a splice site. This variant has not been reported in the literature in individuals affected with TTC19-related conditions. Algorithms developed to predict the effect of missense changes on protein structure and function are either unavailable or do not agree on the potential impact of this missense change (SIFT: "Tolerated"; PolyPhen-2: "Possibly Damaging"; Align-GVGD: "Class C0").

NM_017775.4(TTC19):c.360T>G (p.His120Gln)

Gene: TTC19 (tetratricopeptide repeat domain 19; plus strand). Cytogenetic location: 17p12.
Variant type: single nucleotide variant.
Coding change: c.360T>G on transcript NM_017775.4 (MANE Select); coding-DNA position 360, T replaced by G.
Protein change: p.His120Gln; replaces histidine 120 with glutamine.
Molecular consequence: missense variant.
Genome position (GRCh38, 1-based): chr17:16,001,962, T>G. VCF-style: chr17-16001962-T-G. GRCh37 (hg19) VCF-style: chr17-15905276-T-G.
Other names: c.39T>G, p.His13Gln (NM_001271420.2); short protein forms H120Q, H13Q.
Identifiers: ClinVar variation 1408867 (VCV001408867.6), dbSNP rs1223117831, ClinGen allele CA398384998.
Genomic context (GRCh38, chr17:16,001,962, plus strand): 5'-CTTCCCTTTTCAGTTGAGCATTATGAAAGATGAGCCAGAAGAGGCTGAGTTAATTTTGCA[T>G]GACGCTCTTCGTCTCGCCTATCAGACTGATAACAAGAAGGCCATCACTTACACTTATGAT-3'
Protein context (NP_060245.3, residues 110-130): DEPEEAELIL[His120Gln]DALRLAYQTD